The following is an entry in ClinVar:

NM_005245.4(FAT1):c.3050A>G (p.Tyr1017Cys)

Gene: FAT1 (FAT atypical cadherin 1; minus strand). Cytogenetic location: 4q35.2.
Variant type: single nucleotide variant.
Coding change: c.3050A>G on transcript NM_005245.4 (MANE Select); coding-DNA position 3050, A replaced by G.
Protein change: p.Tyr1017Cys; replaces tyrosine 1017 with cysteine.
Molecular consequence: missense variant.
Genome position (GRCh38, 1-based): chr4:186,706,778, T>C on the plus strand (A>G on the coding strand, the complement: FAT1 is on the minus strand). VCF-style: chr4-186706778-T-C. GRCh37 (hg19) VCF-style: chr4-187627932-T-C.
Other names: short protein forms Y1017C.
Identifiers: ClinVar variation 2209143 (VCV002209143.4), dbSNP rs187106653, ClinGen allele CA3167122.

ClinVar aggregate classification (germline): Uncertain significance. Review status: criteria provided, multiple submitters, no conflicts (2 of 4 stars). 2 submissions from 2 submitters: Uncertain significance (2). Last evaluated 2025-06-12.

Conditions:
Inborn genetic diseases. Identifiers: MedGen C0950123, MeSH D030342.

Allele frequency attached by ClinVar (database versions not stated): gnomAD exomes 0.00002; ESP Exome Variant Server 0.00008; 1000 Genomes Project 30x 0.00016; 1000 Genomes Project 0.00020; ExAC 0.00004; gnomAD 0.00009; TOPMed 0.00010.
gnomAD v4.1: 51 of 1,613,932 alleles (0.0032%); highest among the groups gnomAD compares: Middle Eastern, 0.082%; 1 homozygote.

Submissions (2):

Labcorp Genetics (formerly Invitae), Labcorp
Classification: Uncertain significance. Last evaluated: 2025-06-12. Review status: criteria provided, single submitter. Criteria: Invitae Variant Classification Sherloc (09022015). Collection method: clinical testing. Allele origin: germline.
Comment: This sequence change replaces tyrosine, which is neutral and polar, with cysteine, which is neutral and slightly polar, at codon 1017 of the FAT1 protein (p.Tyr1017Cys). This variant is present in population databases (rs187106653, gnomAD 0.02%). This variant has not been reported in the literature in individuals affected with FAT1-related conditions. ClinVar contains an entry for this variant (Variation ID: 2209143). Invitae Evidence Modeling of protein sequence and biophysical properties (such as structural, functional, and spatial information, amino acid conservation, physicochemical variation, residue mobility, and thermodynamic stability) indicates that this missense variant is not expected to disrupt FAT1 protein function with a negative predictive value of 80%. In summary, the available evidence is currently insufficient to determine the role of this variant in disease. Therefore, it has been classified as a Variant of Uncertain Significance.

Ambry Genetics
Classification: Uncertain significance for Inborn genetic diseases. Last evaluated: 2021-11-08. Review status: criteria provided, single submitter. Criteria: Ambry Variant Classification Scheme 2023. Collection method: clinical testing. Allele origin: germline.